The following is an entry in ClinVar:

ClinVar aggregate classification (germline): Uncertain significance (1 of 4 stars; one submission).

Submission:

Mayo Clinic Laboratories, Mayo Clinic
Classification: Uncertain significance. Last evaluated: 2023-05-12. Review status: criteria provided, single submitter. Criteria: ACMG Guidelines, 2015. Collection method: clinical testing. Allele origin: germline. Observed: 1 variant allele.
Comment: PM2, PVS1_supporting

NM_021076.4(NEFH):c.1A>C (p.Met1Leu)

Gene: NEFH (neurofilament heavy chain; plus strand). Cytogenetic location: 22q12.2.
Variant type: single nucleotide variant.
Coding change: c.1A>C on transcript NM_021076.4 (MANE Select); coding-DNA position 1, A replaced by C.
Protein change: p.Met1Leu; changes the start codon (methionine 1).
Molecular consequence: missense variant, initiator codon variant.
Genome position (GRCh38, 1-based): chr22:29,480,263, A>C. VCF-style: chr22-29480263-A-C. GRCh37 (hg19) VCF-style: chr22-29876252-A-C.
Other names: p.Met1?; short protein forms M1L.
Identifiers: ClinVar variation 2683562 (VCV002683562.1), dbSNP rs890128833, ClinGen allele CA411120743.